The following is an entry in ClinVar:

ClinVar aggregate classification (germline): Uncertain significance (1 of 4 stars; one submission).

Submission:

Ambry Genetics
Classification: Uncertain significance. Last evaluated: 2025-02-27. Review status: criteria provided, single submitter. Criteria: Ambry Variant Classification Scheme 2023. Collection method: clinical testing. Allele origin: germline.
Comment: The p.Q193L variant (also known as c.578A>T), located in coding exon 4 of the ATRIP gene, results from an A to T substitution at nucleotide position 578. The glutamine at codon 193 is replaced by leucine, an amino acid with dissimilar properties. This amino acid position is conserved. In addition, the in silico prediction for this alteration is inconclusive. Based on the available evidence, the clinical significance of this variant remains unclear.

NM_130384.3(ATRIP):c.578A>T (p.Gln193Leu)

Genes: ATRIP (ATR interacting protein; plus strand), ATRIP-TREX1 (ATRIP-TREX1 readthrough; plus strand). Cytogenetic location: 3p21.31.
Variant type: single nucleotide variant.
Coding change: c.578A>T on transcript NM_130384.3 (MANE Select); coding-DNA position 578, A replaced by T.
Protein change: p.Gln193Leu; replaces glutamine 193 with leucine.
Molecular consequence: missense variant. On other transcripts: non-coding transcript variant (1).
Genome position (GRCh38, 1-based): chr3:48,454,325, A>T. VCF-style: chr3-48454325-A-T. GRCh37 (hg19) VCF-style: chr3-48495725-A-T.
Other names: c.197A>T, p.Gln66Leu (NM_001271022.2); c.299A>T, p.Gln100Leu (NM_001271023.2); c.578A>T, p.Gln193Leu (NM_032166.4); short protein forms Q100L, Q66L, Q193L.
Identifiers: ClinVar variation 3811035 (VCV003811035.1).